The following is an entry in ClinVar:

NM_001277115.2(DNAH11):c.6445_6454del (p.Pro2149fs)

Gene: DNAH11 (dynein axonemal heavy chain 11; plus strand). Cytogenetic location: 7p15.3.
Variant type: Deletion.
Coding change: c.6445_6454del on transcript NM_001277115.2 (MANE Select); coding-DNA positions 6445 to 6454, 10 bases deleted (CCTGAAGAGA; older notation c.6445_6454delCCTGAAGAGA).
Protein change: p.Pro2149fs; shifts the reading frame from proline 2149.
Molecular consequence: frameshift variant.
Genome position (GRCh38, 1-based): chr7:21,704,605-21,704,614, CCTGAAGAGA deleted. VCF-style (leftmost placement, unchanged base first): chr7-21704604-GCCTGAAGAGA-G. GRCh37 (hg19) VCF-style: chr7-21744222-GCCTGAAGAGA-G.
Other names: short protein forms P2149fs.
Identifiers: ClinVar variation 4776417 (VCV004776417.1).
Genomic context (GRCh38, chr7:21,704,604, plus strand): 5'-GAGGAGGAAGCTGCACTTTGAACAGATGGTCAGGCAGTCTACCCTGGAGCTCCGCCTGCA[GCCTGAAGAGA>G]GCTTCATCCTCAAAGTAAAAGGAGCATTTGCTTTTCATGGCAGCTGTTGGGATTGTCAGT-3'

ClinVar aggregate classification (germline): Pathogenic (1 of 4 stars; one submission).

Conditions:
Primary ciliary dyskinesia. Also called: Ciliary dyskinesia. Identifiers: Orphanet 244, MedGen C0008780, MONDO:0016575, HP:0012265.

Submission:

Labcorp Genetics (formerly Invitae), Labcorp
Classification: Pathogenic for Primary ciliary dyskinesia. Last evaluated: 2025-06-22. Review status: criteria provided, single submitter. Criteria: Invitae Variant Classification Sherloc (09022015). Collection method: clinical testing. Allele origin: germline.
Comment: This sequence change creates a premature translational stop signal (p.Pro2149Alafs*21) in the DNAH11 gene. It is expected to result in an absent or disrupted protein product. Loss-of-function variants in DNAH11 are known to be pathogenic (PMID: 18022865, 20513915, 22184204). This variant is not present in population databases (gnomAD no frequency). This variant has not been reported in the literature in individuals affected with DNAH11-related conditions. For these reasons, this variant has been classified as Pathogenic.

Literature cited by the submitters: PubMed 18022865; PubMed 20513915; PubMed 22184204.